The following is an entry in ClinVar:

ClinVar aggregate classification (germline): Benign. Review status: criteria provided, multiple submitters, no conflicts (2 of 4 stars). 3 submissions from 3 submitters: Benign (2). 1 of the submissions does not count toward it. Last evaluated 2021-08-19.

Conditions:
Neurodevelopmental disorder with cerebellar hypoplasia and spasticity. Identifiers: MedGen C5231415, MONDO:0032818, OMIM 618572.
INTS8-related disorder. Also called: INTS8-related condition.

Allele frequency attached by ClinVar (database versions not stated): ESP Exome Variant Server 0.50753; gnomAD 0.51528 and 0.52007; TOPMed 0.52592; gnomAD exomes 0.53325 and 0.55647; ExAC 0.54986; 1000 Genomes Project 30x 0.56402; 1000 Genomes Project 0.56669.
gnomAD v4.1: 859,427 of 1,613,356 alleles (53%); highest among the groups gnomAD compares: East Asian, 65%; 231,104 homozygotes.

Submissions (3):

Genome-Nilou Lab
Classification: Benign for Neurodevelopmental disorder with cerebellar hypoplasia and spasticity. Last evaluated: 2021-08-19. Review status: criteria provided, single submitter. Criteria: ACMG Guidelines, 2015. Collection method: clinical testing. Allele origin: germline. Affected: no.

Breakthrough Genomics
Classification: Benign. Review status: criteria provided, single submitter. Criteria: ACMG Guidelines, 2015. Collection method: not provided. Allele origin: germline. Inheritance: Autosomal recessive inheritance. Affected: yes.

PreventionGenetics, part of Exact Sciences
Classification: Benign for INTS8-related condition. Last evaluated: 2019-10-30. Review status: no assertion criteria provided. Collection method: clinical testing. Allele origin: germline. Not counted in ClinVar's aggregate classification.
Comment: This variant is classified as benign based on ACMG/AMP sequence variant interpretation guidelines (Richards et al. 2015 PMID: 25741868, with internal and published modifications).

NM_017864.4(INTS8):c.2130T>C (p.Ser710=)

Gene: INTS8 (integrator complex subunit 8; plus strand). Cytogenetic location: 8q22.1.
Variant type: single nucleotide variant.
Coding change: c.2130T>C on transcript NM_017864.4 (MANE Select); coding-DNA position 2130, T replaced by C.
Protein change: p.Ser710=; no amino-acid change (serine 710 retained).
Molecular consequence: synonymous variant. On other transcripts: non-coding transcript variant (2).
Genome position (GRCh38, 1-based): chr8:94,865,559, T>C. VCF-style: chr8-94865559-T-C. GRCh37 (hg19) VCF-style: chr8-95877787-T-C.
Identifiers: ClinVar variation 1300113 (VCV001300113.5), dbSNP rs713113, ClinGen allele CA4813770.